The following is an entry in ClinVar:

NM_007294.4(BRCA1):c.4698_4704dup (p.Ser1569fs)

Gene: BRCA1 (BRCA1 DNA repair associated; minus strand). Cytogenetic location: 17q21.31.
Variant type: Microsatellite.
Coding change: c.4698_4704dup on transcript NM_007294.4 (MANE Select); coding-DNA positions 4698 to 4704, 7 bases duplicated (TGGAATC; older notation c.4698_4704dupTGGAATC).
Protein change: p.Ser1569fs; shifts the reading frame from serine 1569.
Molecular consequence: frameshift variant. On other transcripts: non-coding transcript variant (1).
Genome position (GRCh38, 1-based): chr17:43,071,210-43,071,216, GATTCCA duplicated on the plus strand (TGGAATC on the coding strand, the reverse complement: BRCA1 is on the minus strand); duplicating any 7 consecutive bases within chr17:43,071,210-43,071,224 gives the same sequence; the c. name uses the placement nearest the transcript's 3' end. VCF-style (leftmost placement, unchanged base first): chr17-43071209-T-TGATTCCA. GRCh37 (hg19) VCF-style: chr17-41223226-T-TGATTCCA.
Other names: c.4698_4704dupTGGAATC (NM_007294.3); c.1255_1261CTGGAAT[3], p.Ser424Trpfs (NM_001408439.1, NM_001408440.1, NM_001408441.1 and 10 more transcripts); c.1252_1258CTGGAAT[3], p.Ser423Trpfs (NM_001408445.1, NM_001408446.1, NM_001408447.1 and 2 more transcripts); c.4477_4483CTGGAAT[3], p.Ser1498Trpfs (NM_001407571.1, NM_001407894.1, NM_001407895.1 and 12 more transcripts); c.4756_4762CTGGAAT[3], p.Ser1591Trpfs (NM_001407581.1, NM_001407582.1); c.1246_1252CTGGAAT[3], p.Ser421Trpfs (NM_001408451.1); c.1240_1246CTGGAAT[3], p.Ser419Trpfs (NM_001408452.1, NM_001408453.1, NM_001408454.1 and 3 more transcripts); c.4753_4759CTGGAAT[3], p.Ser1590Trpfs (NM_001407583.1, NM_001407585.1, NM_001407587.1); and 74 more; short protein forms S465fs, S1522fs, S1590fs, S1569fs.
Identifiers: ClinVar variation 252434 (VCV000252434.3), dbSNP rs879255318, ClinGen allele CA10585937.

ClinVar aggregate classification (germline): Pathogenic. Review status: reviewed by expert panel (3 of 4 stars). 2 submissions from 2 submitters: Pathogenic (1). 1 of the submissions does not count toward it. Last evaluated 2017-12-15.

Conditions:
Breast-ovarian cancer, familial, susceptibility to, 1 (BROVCA1). Also called: BRCA1 Hereditary Breast and Ovarian Cancer; OVARIAN CANCER, SUSCEPTIBILITY TO. Identifiers: Orphanet 145, MedGen C2676676, MONDO:0011450, OMIM 604370. Disease mechanism: loss of function.

Submissions (2):

Evidence-based Network for the Interpretation of Germline Mutant Alleles (ENIGMA)
Classification: Pathogenic for Breast-ovarian cancer, familial, susceptibility to, 1. Last evaluated: 2017-12-15. Review status: reviewed by expert panel. Criteria: ENIGMA BRCA1/2 Classification Criteria (2017-06-29). Collection method: curation. Allele origin: germline. Study: ENIGMA.
Comment: Variant allele predicted to encode a truncated non-functional protein.

GeneKor MSA
Classification: Pathogenic. Last evaluated: 2020-01-01. Review status: criteria provided, single submitter. Criteria: ACMG Guidelines, 2015. Collection method: clinical testing. Allele origin: germline. Not counted in ClinVar's aggregate classification.
Comment: This sequence change inserts seven bases from exon 16 of the BRCA1 mRNA (c.4698_4704dupTGGAATC), causing a frameshift after codon 1569 and the creation of a premature translation stop signal 7 amino acid residues later, [p.(Ser1569Trpfs)]. This is expected to result in an absent or disrupted protein product. Truncating variants in the BRCA1 gene are known to be pathogenic. The mutation database Clinvar contains entries for this variant (Variation ID: 252434).